The following is an entry in ClinVar:

ClinVar aggregate classification (germline): Likely benign. Review status: criteria provided, single submitter (1 of 4 stars). 2 submissions from 2 submitters: Likely benign (1). 1 of the submissions does not count toward it. Last evaluated 2024-02-16.

Conditions:
TYMP-related disorder. Also called: TYMP-related condition.

Allele frequency attached by ClinVar (database versions not stated): TOPMed 0.00006.

Submissions (2):

Labcorp Genetics (formerly Invitae), Labcorp
Classification: Likely benign. Last evaluated: 2024-02-16. Review status: criteria provided, single submitter. Criteria: Invitae Variant Classification Sherloc (09022015). Collection method: clinical testing. Allele origin: germline.

PreventionGenetics, part of Exact Sciences
Classification: Likely benign for TYMP-related condition. Last evaluated: 2020-01-03. Review status: no assertion criteria provided. Collection method: clinical testing. Allele origin: germline. Not counted in ClinVar's aggregate classification.
Comment: This variant is classified as likely benign based on ACMG/AMP sequence variant interpretation guidelines (Richards et al. 2015 PMID: 25741868, with internal and published modifications).

NM_001953.5(TYMP):c.933C>G (p.Gly311=)

Genes: TYMP (thymidine phosphorylase; minus strand), LOC130067862 (ATAC-STARR-seq lymphoblastoid silent region 13986; plus strand). Cytogenetic location: 22q13.33.
Variant type: single nucleotide variant.
Coding change: c.933C>G on transcript NM_001953.5 (MANE Select); coding-DNA position 933, C replaced by G.
Protein change: p.Gly311=; no amino-acid change (glycine 311 retained).
Molecular consequence: synonymous variant.
Genome position (GRCh38, 1-based): chr22:50,526,472, G>C on the plus strand (C>G on the coding strand, the complement: TYMP is on the minus strand). VCF-style: chr22-50526472-G-C. GRCh37 (hg19) VCF-style: chr22-50964901-G-C.
Other names: c.933C>G, p.Gly311= (NM_001113755.3, NM_001113756.3, NM_001257988.1 and 1 more transcripts).
Identifiers: ClinVar variation 797605 (VCV000797605.11), dbSNP rs761773659, ClinGen allele CA325560880.